The following is an entry in ClinVar:

NM_001286577.2(C2CD3):c.3620G>A (p.Cys1207Tyr)

Gene: C2CD3 (C2 domain containing 3 centriole elongation regulator; minus strand). Cytogenetic location: 11q13.4.
Variant type: single nucleotide variant.
Coding change: c.3620G>A on transcript NM_001286577.2 (MANE Select); coding-DNA position 3620, G replaced by A.
Protein change: p.Cys1207Tyr; replaces cysteine 1207 with tyrosine.
Molecular consequence: missense variant.
Genome position (GRCh38, 1-based): chr11:74,090,834, C>T on the plus strand (G>A on the coding strand, the complement: C2CD3 is on the minus strand). VCF-style: chr11-74090834-C-T. GRCh37 (hg19) VCF-style: chr11-73801879-C-T.
Other names: c.3620G>A, p.Cys1207Tyr (NM_015531.6); short protein forms C1207Y.
Identifiers: ClinVar variation 1973876 (VCV001973876.5), dbSNP rs1955862520, ClinGen allele CA381822790.
Genomic context (GRCh38, chr11:74,090,834, plus strand): 5'-GTAAAAGGCTTGAGAATTGCTTGTCTCAGGTGGACTTACTTGGCTGCTGCTTGCAGACCA[C>T]AGGCTCTGATAATCTGGACTGAGATGGAAACAGTTCGGGCAGCAAGAACTCCCTCTGCTG-3'
Protein context (NP_001273506.1, residues 1197-1217): VSISVQIIRA[Cys1207Tyr]GLQAAAKALA

ClinVar aggregate classification (germline): Uncertain significance (1 of 4 stars; one submission).

Allele frequency attached by ClinVar (database versions not stated): gnomAD 0.00001.
gnomAD v4.1: 1 of 1,614,032 alleles (0.000062%); highest among the groups gnomAD compares: Non-Finnish European, 0.000085%; no homozygotes.

Submission:

Labcorp Genetics (formerly Invitae), Labcorp
Classification: Uncertain significance. Last evaluated: 2022-03-26. Review status: criteria provided, single submitter. Criteria: Invitae Variant Classification Sherloc (09022015). Collection method: clinical testing. Allele origin: germline.
Comment: In summary, the available evidence is currently insufficient to determine the role of this variant in disease. Therefore, it has been classified as a Variant of Uncertain Significance. Algorithms developed to predict the effect of missense changes on protein structure and function are either unavailable or do not agree on the potential impact of this missense change (SIFT: "Deleterious"; PolyPhen-2: "Possibly Damaging"; Align-GVGD: "Class C0"). This variant has not been reported in the literature in individuals affected with C2CD3-related conditions. This variant is not present in population databases (gnomAD no frequency). This sequence change replaces cysteine, which is neutral and slightly polar, with tyrosine, which is neutral and polar, at codon 1207 of the C2CD3 protein (p.Cys1207Tyr).